The following is an entry in ClinVar:

ClinVar aggregate classification (germline): Likely benign (1 of 4 stars; one submission).

Allele frequency attached by ClinVar (database versions not stated): TOPMed below 0.00001; ExAC 0.00002.
gnomAD v4.1: 2 of 1,613,890 alleles (0.00012%); highest among the groups gnomAD compares: Non-Finnish European, 0.00017%; no homozygotes.

Submission:

CeGaT Center for Human Genetics Tuebingen
Classification: Likely benign. Last evaluated: 2022-11-01. Review status: criteria provided, single submitter. Criteria: CeGaT Center For Human Genetics Tuebingen Variant Classification Criteria Version 2. Collection method: clinical testing. Allele origin: germline. Affected: yes. Observed: 1 variant allele.
Comment: CCDC88C: BP4, BP7

NM_001080414.4(CCDC88C):c.1257G>A (p.Glu419=)

Gene: CCDC88C (coiled-coil and HOOK domain protein 88C; minus strand). Cytogenetic location: 14q32.11.
Variant type: single nucleotide variant.
Coding change: c.1257G>A on transcript NM_001080414.4 (MANE Select); coding-DNA position 1257, G replaced by A.
Protein change: p.Glu419=; no amino-acid change (glutamic acid 419 retained).
Molecular consequence: synonymous variant.
Genome position (GRCh38, 1-based): chr14:91,324,864, C>T on the plus strand (G>A on the coding strand, the complement: CCDC88C is on the minus strand). VCF-style: chr14-91324864-C-T. GRCh37 (hg19) VCF-style: chr14-91791208-C-T.
Identifiers: ClinVar variation 2644457 (VCV002644457.24), dbSNP rs762197034, ClinGen allele CA7309953.